The following is an entry in ClinVar:

NM_000443.4(ABCB4):c.628_643del (p.Phe210fs)

Gene: ABCB4 (ATP binding cassette subfamily B member 4; minus strand). Cytogenetic location: 7q21.12.
Variant type: Deletion.
Coding change: c.628_643del on transcript NM_000443.4 (MANE Select); coding-DNA positions 628 to 643, 16 bases deleted (TTCATCAGAGGATGGA).
Protein change: p.Phe210fs; shifts the reading frame from phenylalanine 210.
Molecular consequence: frameshift variant.
Genome position (GRCh38, 1-based): chr7:87,451,688-87,451,703, TCCATCCTCTGATGAA deleted on the plus strand (TTCATCAGAGGATGGA on the coding strand, the reverse complement: ABCB4 is on the minus strand); deleting any 16 consecutive bases within chr7:87,451,688-87,451,706 gives the same sequence; the c. name uses the placement nearest the transcript's 3' end. VCF-style (leftmost placement, unchanged base first): chr7-87451687-TTCCATCCTCTGATGAA-T. GRCh37 (hg19) VCF-style: chr7-87081003-TTCCATCCTCTGATGAA-T.
Other names: c.628_643del, p.Phe210fs (NM_018849.3, NM_018850.3); short protein forms F210fs.
Identifiers: ClinVar variation 4846443 (VCV004846443.1).

ClinVar aggregate classification (germline): Pathogenic (1 of 4 stars; one submission).

Conditions:
Familial intrahepatic cholestasis. Identifiers: Orphanet 284385, MedGen CN296401, MONDO:0017290.

Submission:

Genomenon, Inc
Classification: Pathogenic for Familial intrahepatic cholestasis. Last evaluated: 2026-04-14. Review status: criteria provided, single submitter. Criteria: Genomenon Sequence Variant Interpretation Standards - Updated. Collection method: curation. Allele origin: germline. Affected: yes.
Comment: ABCB4 p.Phe210SerfsTer5 (c.628_643del) is a frameshift variant that results in the production of a truncated protein which is predicted to undergo nonsense-mediated mRNA decay. This variant has been observed in at least one proband with an ABCB4-related disorder (PMID:41165782;33915153;28733223). It is absent or not present at a significant frequency in gnomAD. In conclusion, we classify ABCB4 p.Phe210SerfsTer5 (c.628_643del) as a pathogenic variant.

Literature cited by the submitters: PubMed 41165782; PubMed 33915153; PubMed 28733223.